The following is an entry in ClinVar:

ClinVar aggregate classification (germline): Conflicting classifications of pathogenicity. Review status: criteria provided, conflicting classifications (1 of 4 stars). 4 submissions from 4 submitters: Uncertain significance (3); Likely benign (1). Last evaluated 2025-08-20.

Submissions (4):

Athena Diagnostics
Classification: Uncertain significance. Last evaluated: 2025-08-20. Review status: criteria provided, single submitter. Criteria: Athena Diagnostics Criteria. Collection method: clinical testing. Allele origin: unknown.
Comment: Available data are insufficient to determine the clinical significance of the variant at this time. This variant has not been reported in large, multi-ethnic general populations. Computational tools yielded predictions that this variant may result in the gain of a cryptic splice site without affecting the natural splice sites.

Mayo Clinic Laboratories, Mayo Clinic
Classification: Uncertain significance. Last evaluated: 2024-10-21. Review status: criteria provided, single submitter. Criteria: ACMG Guidelines, 2015. Collection method: clinical testing. Allele origin: germline. Observed: 1 variant allele.
Comment: PP3

GeneDx
Classification: Likely benign. Last evaluated: 2021-04-12. Review status: criteria provided, single submitter. Criteria: GeneDx Variant Classification Process June 2021. Collection method: clinical testing. Allele origin: germline. Affected: yes.

Eurofins Ntd Llc (ga)
Classification: Uncertain significance. Last evaluated: 2018-02-09. Review status: criteria provided, single submitter. Criteria: EGL ClinVar v180209 classification definitions. Collection method: clinical testing. Allele origin: germline. Observed: 14 variant alleles, 12 heterozygotes, 2 homozygotes.

NM_201384.3(PLEC):c.1263+7_1263+10delinsCAGTCGGTGAGGCAGCAGTCG

Genes: PLEC (plectin; minus strand), LOC130001334 (ATAC-STARR-seq lymphoblastoid silent region 19628; plus strand). Cytogenetic location: 8q24.3.
Variant type: Indel.
Coding change: c.1263+7_1263+10delinsCAGTCGGTGAGGCAGCAGTCG on transcript NM_201384.3 (MANE Select); bases 7 to 10 of the intron after coding-DNA position 1263, GGGT replaced by CAGTCGGTGAGGCAGCAGTCG.
Molecular consequence: intron variant.
Genome position (GRCh38, 1-based): chr8:143,933,988-143,933,991, ACCC replaced by CGACTGCTGCCTCACCGACTG on the plus strand (GGGT replaced by CAGTCGGTGAGGCAGCAGTCG on the coding strand, the reverse complement: PLEC is on the minus strand). VCF-style: chr8-143933988-ACCC-CGACTGCTGCCTCACCGACTG. GRCh37 (hg19) VCF-style: chr8-145008156-ACCC-CGACTGCTGCCTCACCGACTG.
Other names: p.?; c.1344+7_1344+10delGGGTinsCAGTCGGTGAGGCAGCAGTCG (NM_000445.3); c.1344+7_1344+10delinsCAGTCGGTGAGGCAGCAGTCG (NM_000445.5); c.1221+7_1221+10delinsCAGTCGGTGAGGCAGCAGTCG (NM_201378.4); c.1197+7_1197+10delinsCAGTCGGTGAGGCAGCAGTCG (NM_201379.3); c.1674+7_1674+10delinsCAGTCGGTGAGGCAGCAGTCG (NM_201380.4); c.1167+7_1167+10delinsCAGTCGGTGAGGCAGCAGTCG (NM_201381.3); c.1263+7_1263+10delinsCAGTCGGTGAGGCAGCAGTCG (NM_201382.4); and 1 more.
Identifiers: ClinVar variation 421208 (VCV000421208.14), dbSNP rs1064794978, ClinGen allele CA16618609.